The following is an entry in ClinVar:

ClinVar aggregate classification (germline): Uncertain significance. Review status: criteria provided, multiple submitters, no conflicts (2 of 4 stars). 2 submissions from 2 submitters: Uncertain significance (2). Last evaluated 2025-08-25.

Allele frequency attached by ClinVar (database versions not stated): TOPMed below 0.00001; ExAC 0.00003.
gnomAD v4.1: 24 of 1,614,096 alleles (0.0015%); highest among the groups gnomAD compares: Non-Finnish European, 0.0016%; no homozygotes.

Submissions (2):

Ambry Genetics
Classification: Uncertain significance. Last evaluated: 2025-08-25. Review status: criteria provided, single submitter. Criteria: Ambry Variant Classification Scheme 2023. Collection method: clinical testing. Allele origin: germline.

Labcorp Genetics (formerly Invitae), Labcorp
Classification: Uncertain significance. Last evaluated: 2023-11-27. Review status: criteria provided, single submitter. Criteria: Invitae Variant Classification Sherloc (09022015). Collection method: clinical testing. Allele origin: germline.
Comment: This sequence change replaces methionine, which is neutral and non-polar, with arginine, which is basic and polar, at codon 236 of the FAM186B protein (p.Met236Arg). This variant is present in population databases (rs774444349, gnomAD 0.01%). This variant has not been reported in the literature in individuals affected with FAM186B-related conditions. ClinVar contains an entry for this variant (Variation ID: 1907881). An algorithm developed to predict the effect of missense changes on protein structure and function (PolyPhen-2) suggests that this variant is likely to be disruptive. In summary, the available evidence is currently insufficient to determine the role of this variant in disease. Therefore, it has been classified as a Variant of Uncertain Significance.

NM_032130.3(FAM186B):c.707T>G (p.Met236Arg)

Gene: FAM186B (family with sequence similarity 186 member B; minus strand). Cytogenetic location: 12q13.12.
Variant type: single nucleotide variant.
Coding change: c.707T>G on transcript NM_032130.3 (MANE Select); coding-DNA position 707, T replaced by G.
Protein change: p.Met236Arg; replaces methionine 236 with arginine.
Molecular consequence: missense variant. On other transcripts: non-coding transcript variant (1).
Genome position (GRCh38, 1-based): chr12:49,600,933, A>C on the plus strand (T>G on the coding strand, the complement: FAM186B is on the minus strand). VCF-style: chr12-49600933-A-C. GRCh37 (hg19) VCF-style: chr12-49994716-A-C.
Other names: c.707T>G (NM_032130.2); short protein forms M236R.
Identifiers: ClinVar variation 1907881 (VCV001907881.6), dbSNP rs774444349, ClinGen allele CA6554821.